The following is an entry in ClinVar:

ClinVar aggregate classification (germline): Uncertain significance. Review status: criteria provided, multiple submitters, no conflicts (2 of 4 stars). 2 submissions from 2 submitters: Uncertain significance (2). Last evaluated 2025-10-23.

Conditions:
Hereditary cancer-predisposing syndrome. Also called: Tumor predisposition; Neoplastic Syndromes, Hereditary; Hereditary neoplastic syndrome; Hereditary Cancer Syndrome. Identifiers: Orphanet 140162, MedGen C0027672, MeSH D009386, MONDO:0015356.
Gastrointestinal stromal tumor. Also called: Gastrointestinal stromal tumor, somatic; Gastrointestinal stroma tumor. Identifiers: Orphanet 44890, MedGen C0238198, MeSH D046152, MONDO:0011719, OMIM 606764, HP:0100723.

Allele frequency attached by ClinVar (database versions not stated): gnomAD 0.00001.
gnomAD v4.1: 1 of 1,614,006 alleles (0.000062%); highest among the groups gnomAD compares: Non-Finnish European, 0.000085%; no homozygotes.

Submissions (2):

Ambry Genetics
Classification: Uncertain significance for Hereditary cancer-predisposing syndrome. Last evaluated: 2025-10-23. Review status: criteria provided, single submitter. Criteria: Ambry Variant Classification Scheme 2023. Collection method: clinical testing. Allele origin: germline.
Comment: The p.G32E variant (also known as c.95G>A), located in coding exon 2 of the KIT gene, results from a G to A substitution at nucleotide position 95. The glycine at codon 32 is replaced by glutamic acid, an amino acid with similar properties. This amino acid position is conserved. In addition, this alteration is predicted to be tolerated by in silico analysis. Since supporting evidence is limited at this time, the clinical significance of this alteration remains unclear.

Labcorp Genetics (formerly Invitae), Labcorp
Classification: Uncertain significance for Gastrointestinal stromal tumor. Last evaluated: 2024-05-14. Review status: criteria provided, single submitter. Criteria: Invitae Variant Classification Sherloc (09022015). Collection method: clinical testing. Allele origin: germline.
Comment: This sequence change replaces glycine, which is neutral and non-polar, with glutamic acid, which is acidic and polar, at codon 32 of the KIT protein (p.Gly32Glu). This variant is not present in population databases (gnomAD no frequency). This variant has not been reported in the literature in individuals affected with KIT-related conditions. ClinVar contains an entry for this variant (Variation ID: 1025968). Algorithms developed to predict the effect of missense changes on protein structure and function output the following: SIFT: "Not Available"; PolyPhen-2: "Benign"; Align-GVGD: "Not Available". The glutamic acid amino acid residue is found in multiple mammalian species, which suggests that this missense change does not adversely affect protein function. In summary, the available evidence is currently insufficient to determine the role of this variant in disease. Therefore, it has been classified as a Variant of Uncertain Significance.

NM_000222.3(KIT):c.95G>A (p.Gly32Glu)

Gene: KIT (KIT proto-oncogene, receptor tyrosine kinase; plus strand). Cytogenetic location: 4q12.
Variant type: single nucleotide variant.
Coding change: c.95G>A on transcript NM_000222.3 (MANE Select); coding-DNA position 95, G replaced by A.
Protein change: p.Gly32Glu; replaces glycine 32 with glutamic acid.
Molecular consequence: missense variant.
Genome position (GRCh38, 1-based): chr4:54,695,539, G>A. VCF-style: chr4-54695539-G-A. GRCh37 (hg19) VCF-style: chr4-55561705-G-A.
Other names: c.95G>A, p.Gly32Glu (NM_001093772.2, NM_001385284.1, NM_001385285.1 and 4 more transcripts); c.95G>A (NM_000222.2); short protein forms G32E.
Identifiers: ClinVar variation 1025968 (VCV001025968.11), dbSNP rs1719999027, ClinGen allele CA356896834.
Genomic context (GRCh38, chr4:54,695,539, plus strand): 5'-TCATACTCAACACGATTCTGTTTTTCTTGGCAGGCTCTTCTCAACCATCTGTGAGTCCAG[G>A]GGAACCGTCTCCACCATCCATCCATCCAGGAAAATCAGACTTAATAGTCCGCGTGGGCGA-3'
Protein context (NP_000213.1, residues 22-42): TGSSQPSVSP[Gly32Glu]EPSPPSIHPG